The following is an entry in ClinVar:

NM_030962.4(SBF2):c.2927C>A (p.Ser976Tyr)

Genes: SBF2 (SET binding factor 2; minus strand), LOC101928008 (uncharacterized LOC101928008; plus strand). Cytogenetic location: 11p15.4.
Variant type: single nucleotide variant.
Coding change: c.2927C>A on transcript NM_030962.4 (MANE Select); coding-DNA position 2927, C replaced by A.
Protein change: p.Ser976Tyr; replaces serine 976 with tyrosine.
Molecular consequence: missense variant.
Genome position (GRCh38, 1-based): chr11:9,846,963, G>T on the plus strand (C>A on the coding strand, the complement: SBF2 is on the minus strand). VCF-style: chr11-9846963-G-T. GRCh37 (hg19) VCF-style: chr11-9868510-G-T.
Other names: c.2927C>A, p.Ser976Tyr (NM_001386339.1); c.2798C>A, p.Ser933Tyr (NM_001386342.1); c.2963C>A, p.Ser988Tyr (NM_001424318.1, NM_001425069.1, NM_001425070.1); short protein forms S976Y, S988Y, S933Y.
Identifiers: ClinVar variation 4744190 (VCV004744190.1).

ClinVar aggregate classification (germline): Uncertain significance (1 of 4 stars; one submission).

Conditions:
Charcot-Marie-Tooth disease type 4. Also called: Charcot-Marie-Tooth disease, type IV; Charcot-Marie-Tooth, Type 4. Identifiers: Orphanet 64749, MedGen C4082197, MONDO:0018995.

Submission:

Labcorp Genetics (formerly Invitae), Labcorp
Classification: Uncertain significance for Charcot-Marie-Tooth disease type 4. Last evaluated: 2025-02-10. Review status: criteria provided, single submitter. Criteria: Invitae Variant Classification Sherloc (09022015). Collection method: clinical testing. Allele origin: germline.
Comment: This sequence change replaces serine, which is neutral and polar, with tyrosine, which is neutral and polar, at codon 976 of the SBF2 protein (p.Ser976Tyr). This variant is not present in population databases (gnomAD no frequency). This variant has not been reported in the literature in individuals affected with SBF2-related conditions. Invitae Evidence Modeling of protein sequence and biophysical properties (such as structural, functional, and spatial information, amino acid conservation, physicochemical variation, residue mobility, and thermodynamic stability) indicates that this missense variant is not expected to disrupt SBF2 protein function with a negative predictive value of 80%. In summary, the available evidence is currently insufficient to determine the role of this variant in disease. Therefore, it has been classified as a Variant of Uncertain Significance.